The following is an entry in ClinVar:

NM_001164508.2(NEB):c.17087C>A (p.Ala5696Asp)

Gene: NEB (nebulin; minus strand). Cytogenetic location: 2q23.3.
Variant type: single nucleotide variant.
Coding change: c.17087C>A on transcript NM_001164508.2 (MANE Select); coding-DNA position 17087, C replaced by A.
Protein change: p.Ala5696Asp; replaces alanine 5696 with aspartic acid.
Molecular consequence: missense variant.
Genome position (GRCh38, 1-based): chr2:151,570,528, G>T on the plus strand (C>A on the coding strand, the complement: NEB is on the minus strand). VCF-style: chr2-151570528-G-T. GRCh37 (hg19) VCF-style: chr2-152427042-G-T.
Other names: c.17087C>A, p.Ala5696Asp (NM_001164507.2, NM_001271208.2); c.11984C>A, p.Ala3995Asp (NM_004543.5); short protein forms A5696D, A3995D.
Identifiers: ClinVar variation 3704771 (VCV003704771.2).

ClinVar aggregate classification (germline): Uncertain significance (1 of 4 stars; one submission).

Conditions:
Nemaline myopathy 2 (NEM2). Also called: Nemaline myopathy 2, autosomal recessive. Identifiers: MedGen C1850569, MONDO:0009725, OMIM 256030.

gnomAD v4.1: 17 of 1,611,388 alleles (0.0011%); highest among the groups gnomAD compares: Non-Finnish European, 0.0014%; no homozygotes.

Submission:

Labcorp Genetics (formerly Invitae), Labcorp
Classification: Uncertain significance for Nemaline myopathy 2. Last evaluated: 2024-04-06. Review status: criteria provided, single submitter. Criteria: Invitae Variant Classification Sherloc (09022015). Collection method: clinical testing. Allele origin: germline.
Comment: This sequence change replaces alanine, which is neutral and non-polar, with aspartic acid, which is acidic and polar, at codon 5696 of the NEB protein (p.Ala5696Asp). The frequency data for this variant in the population databases is considered unreliable, as metrics indicate poor data quality at this position in the gnomAD database. This variant has not been reported in the literature in individuals affected with NEB-related conditions. Experimental studies and prediction algorithms are not available or were not evaluated, and the functional significance of this variant is currently unknown. In summary, the available evidence is currently insufficient to determine the role of this variant in disease. Therefore, it has been classified as a Variant of Uncertain Significance.